The following is an entry in ClinVar:

ClinVar aggregate classification (germline): Pathogenic (1 of 4 stars; one submission).

Conditions:
VPS13A-related neurodegenerative disease. Also called: LEVINE-CRITCHLEY SYNDROME; Choreoacanthocytosis; Chorea-acanthocytosis; ACANTHOCYTOSIS WITH NEUROLOGIC DISORDER; VPS13A Disease; Choreaacanthocytosis. Identifiers: Orphanet 2388, MedGen C0393576, MONDO:0008695, OMIM 200150.

Submission:

Natera, Inc.
Classification: Pathogenic for Choreaacanthocytosis. Last evaluated: 2024-11-19. Review status: criteria provided, single submitter. Criteria: Natera Variant Classification Schema (03/2026). Collection method: clinical testing. Allele origin: germline.
Comment: The c.755-1G>T variant in VPS13A is a canonical splice acceptor site variant predicted to affect pre-mRNA splicing, which may result in an abnormal transcript and altered protein product. This variant is expected to result in nonsense mediated decay, truncation, or a dysfunctional protein product. This variant is rare in the general population with a frequency below the threshold expected for the associated phenotype(s). Another variant at this same site results in an alteration predicted to cause a similar molecular effect has been observed in individual(s) with the associated phenotype. Given the available evidence, this variant is classified as Pathogenic.

NM_033305.3(VPS13A):c.755-1G>T

Gene: VPS13A (vacuolar protein sorting 13 homolog A; plus strand). Cytogenetic location: 9q21.2.
Variant type: single nucleotide variant.
Coding change: c.755-1G>T on transcript NM_033305.3 (MANE Select); the canonical splice acceptor site of the intron before coding-DNA position 755, G replaced by T.
Molecular consequence: splice acceptor variant.
Genome position (GRCh38, 1-based): chr9:77,219,953, G>T. VCF-style: chr9-77219953-G-T. GRCh37 (hg19) VCF-style: chr9-79834869-G-T.
Other names: c.755-1G>T (NM_001018037.2, NM_015186.4, NM_001018038.3).
Identifiers: ClinVar variation 4816423 (VCV004816423.1).